The following is an entry in ClinVar:

ClinVar aggregate classification (germline): Benign. Review status: criteria provided, multiple submitters, no conflicts (2 of 4 stars). 3 submissions from 3 submitters: Benign (3). Last evaluated 2018-11-12.

Allele frequency attached by ClinVar (database versions not stated): ExAC 0.16938; gnomAD exomes 0.20682; 1000 Genomes Project 0.29493.

Submissions (3):

GeneDx
Classification: Benign. Last evaluated: 2018-11-12. Review status: criteria provided, single submitter. Criteria: GeneDx Variant Classification Process June 2021. Collection method: clinical testing. Allele origin: germline. Affected: yes.

Laboratory for Molecular Medicine, Mass General Brigham Personalized Medicine
Classification: Benign. Last evaluated: 2016-03-28. Review status: criteria provided, single submitter. Criteria: LMM Criteria. Collection method: clinical testing. Allele origin: germline.
Comment: Variant identified in a genome or exome case(s) and assessed due to predicted null impact of the variant or pathogenic assertions in the literature or databases. Disclaimer: This variant has not undergone full assessment. The following are preliminary notes: Frequency

Breakthrough Genomics
Classification: Benign. Review status: criteria provided, single submitter. Criteria: ACMG Guidelines, 2015. Collection method: not provided. Allele origin: germline. Inheritance: Autosomal dominant inheritance. Affected: yes.

NM_002458.3(MUC5B):c.8606T>C (p.Met2869Thr)

Genes: MUC5B (mucin 5B, oligomeric mucus/gel-forming; plus strand), MUC5B-AS1 (MUC5B antisense RNA 1; minus strand). Cytogenetic location: 11p15.5.
Variant type: single nucleotide variant.
Coding change: c.8606T>C on transcript NM_002458.3 (MANE Select); coding-DNA position 8606, T replaced by C.
Protein change: p.Met2869Thr; replaces methionine 2869 with threonine.
Molecular consequence: missense variant.
Genome position (GRCh38, 1-based): chr11:1,245,486, T>C. VCF-style: chr11-1245486-T-C. GRCh37 (hg19) VCF-style: chr11-1266716-T-C.
Other names: short protein forms M2869T.
Identifiers: ClinVar variation 403148 (VCV000403148.8), dbSNP rs80150964, ClinGen allele CA5806697.